The following is an entry in ClinVar:

ClinVar aggregate classification (germline): Conflicting classifications of pathogenicity. Review status: criteria provided, conflicting classifications (1 of 4 stars). 2 submissions from 2 submitters: Uncertain significance (1); Likely benign (1). Last evaluated 2025-08-02.

Conditions:
Fanconi anemia (FA). Also called: Fanconi's anemia. Identifiers: Orphanet 84, MedGen C0015625, MeSH D005199, MONDO:0019391.
Inborn genetic diseases. Identifiers: MedGen C0950123, MeSH D030342.

Submissions (2):

Ambry Genetics
Classification: Likely benign for Inborn genetic diseases. Last evaluated: 2025-08-02. Review status: criteria provided, single submitter. Criteria: Ambry Variant Classification Scheme 2023. Collection method: clinical testing. Allele origin: germline.

Labcorp Genetics (formerly Invitae), Labcorp
Classification: Uncertain significance for Fanconi anemia. Last evaluated: 2025-08-02. Review status: criteria provided, single submitter. Criteria: Invitae Variant Classification Sherloc (09022015). Collection method: clinical testing. Allele origin: germline.
Comment: This sequence change replaces glycine, which is neutral and non-polar, with aspartic acid, which is acidic and polar, at codon 1208 of the FANCM protein (p.Gly1208Asp). This variant is not present in population databases (gnomAD no frequency). This variant has not been reported in the literature in individuals affected with FANCM-related conditions. An algorithm developed to predict the effect of missense changes on protein structure and function outputs the following: PolyPhen-2: "Benign". The aspartic acid amino acid residue is found in multiple mammalian species, which suggests that this missense change does not adversely affect protein function. In summary, the available evidence is currently insufficient to determine the role of this variant in disease. Therefore, it has been classified as a Variant of Uncertain Significance.

NM_020937.4(FANCM):c.3623G>A (p.Gly1208Asp)

Gene: FANCM (FA complementation group M; plus strand). Cytogenetic location: 14q21.2.
Variant type: single nucleotide variant.
Coding change: c.3623G>A on transcript NM_020937.4 (MANE Select); coding-DNA position 3623, G replaced by A.
Protein change: p.Gly1208Asp; replaces glycine 1208 with aspartic acid.
Molecular consequence: missense variant.
Genome position (GRCh38, 1-based): chr14:45,176,377, G>A. VCF-style: chr14-45176377-G-A. GRCh37 (hg19) VCF-style: chr14-45645580-G-A.
Other names: c.3545G>A, p.Gly1182Asp (NM_001308133.2); short protein forms G1182D, G1208D.
Identifiers: ClinVar variation 4254642 (VCV004254642.2).